The following is an entry in ClinVar:

ClinVar aggregate classification (germline): Uncertain significance (1 of 4 stars; one submission).

Conditions:
Inborn genetic diseases. Identifiers: MedGen C0950123, MeSH D030342.

Submission:

Ambry Genetics
Classification: Uncertain significance for Inborn genetic diseases. Last evaluated: 2024-08-14. Review status: criteria provided, single submitter. Criteria: Ambry Variant Classification Scheme 2023. Collection method: clinical testing. Allele origin: germline.
Comment: The p.S339T variant (also known as c.1015T>A), located in coding exon 4 of the ATR gene, results from a T to A substitution at nucleotide position 1015. The serine at codon 339 is replaced by threonine, an amino acid with similar properties. This amino acid position is conserved. In addition, this alteration is predicted to be tolerated by in silico analysis. Since supporting evidence is limited at this time, the clinical significance of this alteration remains unclear.

NM_001184.4(ATR):c.1015T>A (p.Ser339Thr)

Gene: ATR (ATR checkpoint kinase; minus strand). Cytogenetic location: 3q23.
Variant type: single nucleotide variant.
Coding change: c.1015T>A on transcript NM_001184.4 (MANE Select); coding-DNA position 1015, T replaced by A.
Protein change: p.Ser339Thr; replaces serine 339 with threonine.
Molecular consequence: missense variant.
Genome position (GRCh38, 1-based): chr3:142,562,387, A>T on the plus strand (T>A on the coding strand, the complement: ATR is on the minus strand). VCF-style: chr3-142562387-A-T. GRCh37 (hg19) VCF-style: chr3-142281229-A-T.
Other names: c.1015T>A, p.Ser339Thr (NM_001354579.2); short protein forms S339T.
Identifiers: ClinVar variation 1743281 (VCV001743281.3), dbSNP rs2473425761, ClinGen allele CA354824010.
Genomic context (GRCh38, chr3:142,562,387, plus strand): 5'-CTGGCACAAATTTAAGGAAATACTGCAGTAAATGGCACAAAGCTGCTTTTAGCAAATCAG[A>T]CTTAAGCCGCATGAGCACACCGTCTTCAAACATGACACAGAGTTTTTCCAGCAGCATATT-3'
Protein context (NP_001175.2, residues 329-349): FEDGVLMRLK[Ser339Thr]DLLKAALCHL